The following is an entry in ClinVar:

NM_022072.5(NSUN3):c.32G>A (p.Gly11Glu)

Gene: NSUN3 (NOP2/Sun RNA methyltransferase 3; plus strand). Cytogenetic location: 3q11.2.
Variant type: single nucleotide variant.
Coding change: c.32G>A on transcript NM_022072.5 (MANE Select); coding-DNA position 32, G replaced by A.
Protein change: p.Gly11Glu; replaces glycine 11 with glutamic acid.
Molecular consequence: missense variant.
Genome position (GRCh38, 1-based): chr3:94,064,456, G>A. VCF-style: chr3-94064456-G-A. GRCh37 (hg19) VCF-style: chr3-93783300-G-A.
Other names: short protein forms G11E.
Identifiers: ClinVar variation 3002895 (VCV003002895.3), dbSNP rs2472181544, ClinGen allele CA353682170.

ClinVar aggregate classification (germline): Uncertain significance (1 of 4 stars; one submission).

Submission:

Labcorp Genetics (formerly Invitae), Labcorp
Classification: Uncertain significance. Last evaluated: 2023-12-25. Review status: criteria provided, single submitter. Criteria: Invitae Variant Classification Sherloc (09022015). Collection method: clinical testing. Allele origin: germline.
Comment: This sequence change replaces glycine, which is neutral and non-polar, with glutamic acid, which is acidic and polar, at codon 11 of the NSUN3 protein (p.Gly11Glu). This variant is not present in population databases (gnomAD no frequency). This variant has not been reported in the literature in individuals affected with NSUN3-related conditions. An algorithm developed to predict the effect of missense changes on protein structure and function (PolyPhen-2) suggests that this variant is likely to be tolerated. In summary, the available evidence is currently insufficient to determine the role of this variant in disease. Therefore, it has been classified as a Variant of Uncertain Significance.